The following is an entry in ClinVar:

ClinVar aggregate classification (germline): Uncertain significance (1 of 4 stars; one submission).

Allele frequency attached by ClinVar (database versions not stated): gnomAD exomes below 0.00001; ExAC 0.00001.
gnomAD v4.1: 5 of 1,613,636 alleles (0.00031%); highest among the groups gnomAD compares: Non-Finnish European, 0.00042%; no homozygotes.

Submission:

Labcorp Genetics (formerly Invitae), Labcorp
Classification: Uncertain significance. Last evaluated: 2022-09-02. Review status: criteria provided, single submitter. Criteria: Invitae Variant Classification Sherloc (09022015). Collection method: clinical testing. Allele origin: germline.
Comment: Algorithms developed to predict the effect of sequence changes on RNA splicing suggest that this variant may create or strengthen a splice site. In summary, the available evidence is currently insufficient to determine the role of this variant in disease. Therefore, it has been classified as a Variant of Uncertain Significance. This variant has not been reported in the literature in individuals affected with CYP11B1-related conditions. This variant is present in population databases (rs769081498, gnomAD 0.0009%). This sequence change affects codon 268 of the CYP11B1 mRNA. It is a 'silent' change, meaning that it does not change the encoded amino acid sequence of the CYP11B1 protein.

NM_000497.4(CYP11B1):c.804C>T (p.Asp268=)

Genes: CYP11B1 (cytochrome P450 family 11 subfamily B member 1; minus strand), LOC106799833 (CYP11B1 recombination region; plus strand). Cytogenetic location: 8q24.3.
Variant type: single nucleotide variant.
Coding change: c.804C>T on transcript NM_000497.4 (MANE Select); coding-DNA position 804, C replaced by T.
Protein change: p.Asp268=; no amino-acid change (aspartic acid 268 retained).
Molecular consequence: synonymous variant.
Genome position (GRCh38, 1-based): chr8:142,876,391, G>A on the plus strand (C>T on the coding strand, the complement: CYP11B1 is on the minus strand). VCF-style: chr8-142876391-G-A. GRCh37 (hg19) VCF-style: chr8-143957807-G-A.
Other names: c.804C>T, p.Asp268= (NM_001026213.1).
Identifiers: ClinVar variation 2004571 (VCV002004571.4), dbSNP rs769081498, ClinGen allele CA4905292.